The following is an entry in ClinVar:

ClinVar aggregate classification (germline): Pathogenic (1 of 4 stars; one submission).

Conditions:
Frontotemporal dementia and/or amyotrophic lateral sclerosis 4. Also called: FTDALS4. Identifiers: Orphanet 275872, MedGen C4225325, MONDO:0014641, OMIM 616439.

Submission:

Labcorp Genetics (formerly Invitae), Labcorp
Classification: Pathogenic for Frontotemporal dementia and/or amyotrophic lateral sclerosis 4. Last evaluated: 2021-12-21. Review status: criteria provided, single submitter. Criteria: Invitae Variant Classification Sherloc (09022015). Collection method: clinical testing. Allele origin: germline.
Comment: Disruption of this splice site has been observed in individual(s) with clinical features of TBK1-related conditions (PMID: 33245169). This sequence change affects a donor splice site in intron 6 of the TBK1 gene. It is expected to disrupt RNA splicing. Variants that disrupt the donor or acceptor splice site typically lead to a loss of protein function (PMID: 16199547), and loss-of-function variants in TBK1 are known to be pathogenic (PMID: 25803835, 26476236, 26581300). This variant is not present in population databases (gnomAD no frequency). Studies have shown that disruption of this splice site alters TBK1 gene expression (PMID: 33245169). Algorithms developed to predict the effect of sequence changes on RNA splicing suggest that this variant may disrupt the consensus splice site. For these reasons, this variant has been classified as Pathogenic.

Literature cited by the submitters: PubMed 33245169; PubMed 16199547; PubMed 25803835; PubMed 26476236; PubMed 26581300.

NM_013254.4(TBK1):c.701+2T>G

Gene: TBK1 (TANK binding kinase 1; plus strand). Cytogenetic location: 12q14.2.
Variant type: single nucleotide variant.
Coding change: c.701+2T>G on transcript NM_013254.4 (MANE Select); the canonical splice donor site of the intron after coding-DNA position 701, T replaced by G.
Molecular consequence: splice donor variant.
Genome position (GRCh38, 1-based): chr12:64,474,392, T>G. VCF-style: chr12-64474392-T-G. GRCh37 (hg19) VCF-style: chr12-64868172-T-G.
Identifiers: ClinVar variation 2051653 (VCV002051653.4), dbSNP rs2539503647, ClinGen allele CA385597878.